The following is an entry in ClinVar:

ClinVar aggregate classification (germline): Uncertain significance (1 of 4 stars; one submission).

Conditions:
TRPC6-related disorder. Also called: TRPC6-related condition.

Allele frequency attached by ClinVar (database versions not stated): TOPMed 0.00001; gnomAD 0.00002; ExAC 0.00003; gnomAD exomes 0.00003; 1000 Genomes Project 30x 0.00016; 1000 Genomes Project 0.00020.
gnomAD v4.1: 45 of 1,614,024 alleles (0.0028%); highest among the groups gnomAD compares: East Asian, 0.0045%; no homozygotes.

Submission:

PreventionGenetics, part of Exact Sciences
Classification: Uncertain significance for TRPC6-related condition. Last evaluated: 2023-04-19. Review status: criteria provided, single submitter. Criteria: ACMG Guidelines, 2015. Collection method: clinical testing. Allele origin: germline.
Comment: The TRPC6 c.551C>T variant is predicted to result in the amino acid substitution p.Pro184Leu. To our knowledge, this variant has not been reported in the literature. This variant is reported in 0.0065% of alleles in individuals of South Asian descent in gnomAD. At this time, the clinical significance of this variant is uncertain due to the absence of conclusive functional and genetic evidence.

NM_004621.6(TRPC6):c.551C>T (p.Pro184Leu)

Gene: TRPC6 (transient receptor potential cation channel subfamily C member 6; minus strand). Cytogenetic location: 11q22.1.
Variant type: single nucleotide variant.
Coding change: c.551C>T on transcript NM_004621.6 (MANE Select); coding-DNA position 551, C replaced by T.
Protein change: p.Pro184Leu; replaces proline 184 with leucine.
Molecular consequence: missense variant.
Genome position (GRCh38, 1-based): chr11:101,504,418, G>A on the plus strand (C>T on the coding strand, the complement: TRPC6 is on the minus strand). VCF-style: chr11-101504418-G-A. GRCh37 (hg19) VCF-style: chr11-101375149-G-A.
Other names: short protein forms P184L.
Identifiers: ClinVar variation 2632881 (VCV002632881.1), dbSNP rs200198559, ClinGen allele CA6244508.